The following is an entry in ClinVar:

NM_000222.3(KIT):c.2923G>T (p.Asp975Tyr)

Gene: KIT (KIT proto-oncogene, receptor tyrosine kinase; plus strand). Cytogenetic location: 4q12.
Variant type: single nucleotide variant.
Coding change: c.2923G>T on transcript NM_000222.3 (MANE Select); coding-DNA position 2923, G replaced by T.
Protein change: p.Asp975Tyr; replaces aspartic acid 975 with tyrosine.
Molecular consequence: missense variant.
Genome position (GRCh38, 1-based): chr4:54,738,549, G>T. VCF-style: chr4-54738549-G-T. GRCh37 (hg19) VCF-style: chr4-55604715-G-T.
Other names: c.2911G>T, p.Asp971Tyr (NM_001093772.2, NM_001385292.1); c.2926G>T, p.Asp976Tyr (NM_001385284.1); c.2920G>T, p.Asp974Tyr (NM_001385285.1); c.2908G>T, p.Asp970Tyr (NM_001385286.1); c.2914G>T, p.Asp972Tyr (NM_001385288.1); c.2923G>T, p.Asp975Tyr (NM_001385290.1); short protein forms D972Y, D974Y, D976Y, D971Y, D975Y, D970Y.
Identifiers: ClinVar variation 4725991 (VCV004725991.1).

ClinVar aggregate classification (germline): Uncertain significance (1 of 4 stars; one submission).

Conditions:
Gastrointestinal stromal tumor. Also called: Gastrointestinal stromal tumor, somatic; Gastrointestinal stroma tumor. Identifiers: Orphanet 44890, MedGen C0238198, MeSH D046152, MONDO:0011719, OMIM 606764, HP:0100723.

Submission:

Labcorp Genetics (formerly Invitae), Labcorp
Classification: Uncertain significance for Gastrointestinal stromal tumor. Last evaluated: 2025-08-25. Review status: criteria provided, single submitter. Criteria: Invitae Variant Classification Sherloc (09022015). Collection method: clinical testing. Allele origin: germline.
Comment: This sequence change replaces aspartic acid, which is acidic and polar, with tyrosine, which is neutral and polar, at codon 975 of the KIT protein (p.Asp975Tyr). This variant is not present in population databases (gnomAD no frequency). This variant has not been reported in the literature in individuals affected with KIT-related conditions. An algorithm developed to predict the effect of missense changes on protein structure and function (PolyPhen-2) suggests that this variant is likely to be disruptive. In summary, the available evidence is currently insufficient to determine the role of this variant in disease. Therefore, it has been classified as a Variant of Uncertain Significance.